The following is an entry in ClinVar:

NM_019074.4(DLL4):c.35C>T (p.Ala12Val)

Gene: DLL4 (delta like canonical Notch ligand 4; plus strand). Cytogenetic location: 15q15.1.
Variant type: single nucleotide variant.
Coding change: c.35C>T on transcript NM_019074.4 (MANE Select); coding-DNA position 35, C replaced by T.
Protein change: p.Ala12Val; replaces alanine 12 with valine.
Molecular consequence: missense variant.
Genome position (GRCh38, 1-based): chr15:40,929,703, C>T. VCF-style: chr15-40929703-C-T. GRCh37 (hg19) VCF-style: chr15-41221901-C-T.
Other names: short protein forms A12V.
Identifiers: ClinVar variation 2132934 (VCV002132934.4), dbSNP rs1452256269, ClinGen allele CA391803975.

ClinVar aggregate classification (germline): Uncertain significance (1 of 4 stars; one submission).

Allele frequency attached by ClinVar (database versions not stated): gnomAD 0.00001; gnomAD exomes 0.00001; TOPMed 0.00001.
gnomAD v4.1: 4 of 1,587,016 alleles (0.00025%); highest among the groups gnomAD compares: Non-Finnish European, 0.00034%; no homozygotes.

Submission:

Labcorp Genetics (formerly Invitae), Labcorp
Classification: Uncertain significance. Last evaluated: 2022-07-19. Review status: criteria provided, single submitter. Criteria: Invitae Variant Classification Sherloc (09022015). Collection method: clinical testing. Allele origin: germline.
Comment: In summary, the available evidence is currently insufficient to determine the role of this variant in disease. Therefore, it has been classified as a Variant of Uncertain Significance. Algorithms developed to predict the effect of missense changes on protein structure and function output the following: SIFT: "Tolerated"; PolyPhen-2: "Benign"; Align-GVGD: "Class C0". The valine amino acid residue is found in multiple mammalian species, which suggests that this missense change does not adversely affect protein function. This variant has not been reported in the literature in individuals affected with DLL4-related conditions. This variant is not present in population databases (gnomAD no frequency). This sequence change replaces alanine, which is neutral and non-polar, with valine, which is neutral and non-polar, at codon 12 of the DLL4 protein (p.Ala12Val).